The following is an entry in ClinVar:

NM_033409.4(SLC52A3):c.797G>A (p.Arg266Gln)

Gene: SLC52A3 (solute carrier family 52 member 3; minus strand). Cytogenetic location: 20p13.
Variant type: single nucleotide variant.
Coding change: c.797G>A on transcript NM_033409.4 (MANE Select); coding-DNA position 797, G replaced by A.
Protein change: p.Arg266Gln; replaces arginine 266 with glutamine.
Molecular consequence: missense variant.
Genome position (GRCh38, 1-based): chr20:763,774, C>T on the plus strand (G>A on the coding strand, the complement: SLC52A3 is on the minus strand). VCF-style: chr20-763774-C-T. GRCh37 (hg19) VCF-style: chr20-744418-C-T.
Other names: c.797G>A, p.Arg266Gln (NM_001370085.1, NM_001370086.1); c.797G>A (NM_033409.3); short protein forms R266Q.
Identifiers: ClinVar variation 1002766 (VCV001002766.7), dbSNP rs768105926, ClinGen allele CA9724681.

ClinVar aggregate classification (germline): Uncertain significance. Review status: criteria provided, multiple submitters, no conflicts (2 of 4 stars). 2 submissions from 2 submitters: Uncertain significance (2). Last evaluated 2024-09-08.

Conditions:
Brown-Vialetto-van Laere syndrome 1. Also called: BROWN-VIALETTO-VAN LAERE SYNDROME 1, MILD; BULBAR PALSY, PROGRESSIVE, WITH SENSORINEURAL DEAFNESS; PONTOBULBAR PALSY WITH DEAFNESS. Identifiers: Orphanet 572550, Orphanet 97229, MedGen C0796274, MONDO:0024537, OMIM 211530.
Inborn genetic diseases. Identifiers: MedGen C0950123, MeSH D030342.

Allele frequency attached by ClinVar (database versions not stated): TOPMed 0.00002; gnomAD exomes below 0.00001 and 0.00002; ExAC 0.00002; gnomAD 0.00002.
gnomAD v4.1: 11 of 1,613,984 alleles (0.00068%); highest among the groups gnomAD compares: East Asian, 0.0067%; no homozygotes.

Submissions (2):

Ambry Genetics
Classification: Uncertain significance for Inborn genetic diseases. Last evaluated: 2024-09-08. Review status: criteria provided, single submitter. Criteria: Ambry Variant Classification Scheme 2023. Collection method: clinical testing. Allele origin: germline.

Labcorp Genetics (formerly Invitae), Labcorp
Classification: Uncertain significance for Brown-Vialetto-van Laere syndrome 1. Last evaluated: 2022-03-22. Review status: criteria provided, single submitter. Criteria: Invitae Variant Classification Sherloc (09022015). Collection method: clinical testing. Allele origin: germline.
Comment: In summary, the available evidence is currently insufficient to determine the role of this variant in disease. Therefore, it has been classified as a Variant of Uncertain Significance. Algorithms developed to predict the effect of sequence changes on RNA splicing suggest that this variant may create or strengthen a splice site. Algorithms developed to predict the effect of missense changes on protein structure and function output the following: SIFT: "Tolerated"; PolyPhen-2: "Benign"; Align-GVGD: "Class C0". The glutamine amino acid residue is found in multiple mammalian species, which suggests that this missense change does not adversely affect protein function. ClinVar contains an entry for this variant (Variation ID: 1002766). This variant has not been reported in the literature in individuals affected with SLC52A3-related conditions. This variant is present in population databases (rs768105926, gnomAD 0.03%). This sequence change replaces arginine, which is basic and polar, with glutamine, which is neutral and polar, at codon 266 of the SLC52A3 protein (p.Arg266Gln).